The following is an entry in ClinVar:

NM_177438.3(DICER1):c.2510T>A (p.Met837Lys)

Gene: DICER1 (dicer 1, ribonuclease III; minus strand). Cytogenetic location: 14q32.13.
Variant type: single nucleotide variant.
Coding change: c.2510T>A on transcript NM_177438.3 (MANE Select); coding-DNA position 2510, T replaced by A.
Protein change: p.Met837Lys; replaces methionine 837 with lysine.
Molecular consequence: missense variant. On other transcripts: non-coding transcript variant (6).
Genome position (GRCh38, 1-based): chr14:95,108,020, A>T on the plus strand (T>A on the coding strand, the complement: DICER1 is on the minus strand). VCF-style: chr14-95108020-A-T. GRCh37 (hg19) VCF-style: chr14-95574357-A-T.
Other names: c.2510T>A, p.Met837Lys (NM_001195573.1, NM_001271282.3, NM_001291628.2 and 13 more transcripts); c.2228T>A, p.Met743Lys (NM_001395686.1); c.2105T>A, p.Met702Lys (NM_001395687.1, NM_001395688.1, NM_001395689.1 and 2 more transcripts); c.1943T>A, p.Met648Lys (NM_001395691.1); c.827T>A, p.Met276Lys (NM_001395697.1); short protein forms M276K, M648K, M702K, M743K, M837K.
Identifiers: ClinVar variation 1718912 (VCV001718912.6), dbSNP rs1891606034, ClinGen allele CA390881874.

ClinVar aggregate classification (germline): Uncertain significance (1 of 4 stars; one submission).

Conditions:
DICER1-related tumor predisposition. Also called: DICER1 syndrome; DICER1-related pleuropulmonary blastoma cancer predisposition syndrome. Identifiers: Orphanet 284343, MedGen C3839822, MONDO:0100216.

Submission:

Labcorp Genetics (formerly Invitae), Labcorp
Classification: Uncertain significance for DICER1-related tumor predisposition. Last evaluated: 2022-09-06. Review status: criteria provided, single submitter. Criteria: Invitae Variant Classification Sherloc (09022015). Collection method: clinical testing. Allele origin: germline.
Comment: This sequence change replaces methionine, which is neutral and non-polar, with lysine, which is basic and polar, at codon 837 of the DICER1 protein (p.Met837Lys). This variant is not present in population databases (gnomAD no frequency). This variant has not been reported in the literature in individuals affected with DICER1-related conditions. Algorithms developed to predict the effect of missense changes on protein structure and function (SIFT, PolyPhen-2, Align-GVGD) all suggest that this variant is likely to be tolerated. In summary, the available evidence is currently insufficient to determine the role of this variant in disease. Therefore, it has been classified as a Variant of Uncertain Significance.